The following is an entry in ClinVar:

NM_018685.5(ANLN):c.1522+5G>A

Gene: ANLN (anillin, actin binding protein; plus strand). Cytogenetic location: 7p14.2.
Variant type: single nucleotide variant.
Coding change: c.1522+5G>A on transcript NM_018685.5 (MANE Select); 5 bases into the intron after coding-DNA position 1522, G replaced by A.
Molecular consequence: intron variant.
Genome position (GRCh38, 1-based): chr7:36,415,889, G>A. VCF-style: chr7-36415889-G-A. GRCh37 (hg19) VCF-style: chr7-36455498-G-A.
Other names: c.1522+5G>A (NM_001284301.3, NM_001284302.3).
Identifiers: ClinVar variation 3618026 (VCV003618026.2).

ClinVar aggregate classification (germline): Uncertain significance (1 of 4 stars; one submission).

gnomAD v4.1: 1 of 1,575,150 alleles (0.000063%); highest among the groups gnomAD compares: Non-Finnish European, 0.000086%; no homozygotes.

Submission:

Labcorp Genetics (formerly Invitae), Labcorp
Classification: Uncertain significance. Last evaluated: 2024-10-24. Review status: criteria provided, single submitter. Criteria: Invitae Variant Classification Sherloc (09022015). Collection method: clinical testing. Allele origin: germline.
Comment: This sequence change falls in intron 8 of the ANLN gene. It does not directly change the encoded amino acid sequence of the ANLN protein. It affects a nucleotide within the consensus splice site. This variant is not present in population databases (gnomAD no frequency). This variant has not been reported in the literature in individuals affected with ANLN-related conditions. Variants that disrupt the consensus splice site are a relatively common cause of aberrant splicing (PMID: 17576681, 9536098). Algorithms developed to predict the effect of sequence changes on RNA splicing suggest that this variant may disrupt the consensus splice site. In summary, the available evidence is currently insufficient to determine the role of this variant in disease. Therefore, it has been classified as a Variant of Uncertain Significance.

Literature cited by the submitters: PubMed 17576681; PubMed 9536098.